The following is an entry in ClinVar:

ClinVar aggregate classification (germline): Uncertain significance. Review status: criteria provided, multiple submitters, no conflicts (2 of 4 stars). 2 submissions from 2 submitters: Uncertain significance (2). Last evaluated 2024-08-14.

Conditions:
Melnick-Needles syndrome (MNS). Also called: MELNICK-NEEDLES OSTEODYSPLASTY; Melnick-Needles Syndrome (FLNA-MNS); OSTEODYSPLASTY OF MELNICK AND NEEDLES. Identifiers: Orphanet 2484, MedGen C0025237, MONDO:0010650, OMIM 309350.
Frontometaphyseal dysplasia (FMD1). Identifiers: Orphanet 1826, MedGen C0265293, MONDO:0015942.
Heterotopia, periventricular, X-linked dominant (PVNH1). Also called: PERIVENTRICULAR NODULAR HETEROTOPIA 4; HETEROTOPIA, PERIVENTRICULAR, 1; PERIVENTRICULAR NODULAR HETEROTOPIA 1; X-linked periventricular heterotopia. Identifiers: Orphanet 2149, Orphanet 82004, MedGen C1848213, MONDO:0010233, OMIM 300049.
Oto-palato-digital syndrome, type II (OPD2). Also called: Otopalatodigital Syndrome Type 2 (FLNA-OPD2); FACIOPALATOOSSEOUS SYNDROME; OPD II SYNDROME; Otopalatodigital Syndrome, Type II. Identifiers: Orphanet 669, Orphanet 90652, MedGen C1844696, MONDO:0010571, OMIM 304120.
Familial thoracic aortic aneurysm and aortic dissection (TAAD). Also called: Thoracic aortic aneurysms and dissections. Identifiers: Orphanet 91387, MedGen C4707243, MONDO:0019625.

Allele frequency attached by ClinVar (database versions not stated): gnomAD exomes below 0.00001; TOPMed below 0.00001.
gnomAD v4.1: 3 of 1,211,591 alleles (0.00025%); highest among the groups gnomAD compares: Non-Finnish European, 0.00033%; no homozygotes.

Submissions (2):

Labcorp Genetics (formerly Invitae), Labcorp
Classification: Uncertain significance for Oto-palato-digital syndrome, type II; Heterotopia, periventricular, X-linked dominant; Frontometaphyseal dysplasia; Melnick-Needles syndrome. Last evaluated: 2024-08-14. Review status: criteria provided, single submitter. Criteria: Invitae Variant Classification Sherloc (09022015). Collection method: clinical testing. Allele origin: germline.
Comment: This sequence change replaces glutamic acid, which is acidic and polar, with lysine, which is basic and polar, at codon 1828 of the FLNA protein (p.Glu1828Lys). This variant is not present in population databases (gnomAD no frequency). This variant has not been reported in the literature in individuals affected with FLNA-related conditions. ClinVar contains an entry for this variant (Variation ID: 519873). Invitae Evidence Modeling of protein sequence and biophysical properties (such as structural, functional, and spatial information, amino acid conservation, physicochemical variation, residue mobility, and thermodynamic stability) indicates that this missense variant is not expected to disrupt FLNA protein function with a negative predictive value of 95%. In summary, the available evidence is currently insufficient to determine the role of this variant in disease. Therefore, it has been classified as a Variant of Uncertain Significance.

Ambry Genetics
Classification: Uncertain significance for Familial thoracic aortic aneurysm and aortic dissection. Last evaluated: 2016-02-23. Review status: criteria provided, single submitter. Criteria: Ambry Variant Classification Scheme 2023. Collection method: clinical testing. Allele origin: germline.
Comment: The p.E1828K variant (also known as c.5482G>A), located in coding exon 32 of the FLNA gene, results from a G to A substitution at nucleotide position 5482. The glutamic acid at codon 1828 is replaced by lysine, an amino acid with similar properties. This variant was not reported in population based cohorts in the following databases: Database of Single Nucleotide Polymorphisms (dbSNP), NHLBI Exome Sequencing Project (ESP), and 1000 Genomes Project. In the ESP, this variant was not observed in 6428 samples with coverage at this position. This amino acid position is highly conserved in available vertebrate species; however, lysine is the reference amino acid in other vertebrate species. In addition, this alteration is predicted to be deleterious by in silico analysis. Since supporting evidence is limited at this time, the clinical significance of this variant remains unclear.

NM_001110556.2(FLNA):c.5506G>A (p.Glu1836Lys)

Gene: FLNA (filamin A; minus strand). Cytogenetic location: Xq28.
Variant type: single nucleotide variant.
Coding change: c.5506G>A on transcript NM_001110556.2 (MANE Select); coding-DNA position 5506, G replaced by A.
Protein change: p.Glu1836Lys; replaces glutamic acid 1836 with lysine.
Molecular consequence: missense variant.
Genome position (GRCh38, 1-based): chrX:154,354,202, C>T on the plus strand (G>A on the coding strand, the complement: FLNA is on the minus strand). VCF-style: chrX-154354202-C-T. GRCh37 (hg19) VCF-style: chrX-153582570-C-T.
Other names: c.5482G>A, p.Glu1828Lys (NM_001456.4); short protein forms E1828K, E1836K.
Identifiers: ClinVar variation 519873 (VCV000519873.10), dbSNP rs1557176399, ClinGen allele CA415204014.